The following is an entry in ClinVar:

ClinVar aggregate classification (germline): Likely benign. Review status: criteria provided, single submitter (1 of 4 stars). 2 submissions from 2 submitters: Likely benign (1). 1 of the submissions does not count toward it. Last evaluated 2024-09-23.

Conditions:
P3H2-related disorder. Also called: P3H2-related condition.

gnomAD v4.1: 12 of 1,423,054 alleles (0.00084%); highest among the groups gnomAD compares: African/African-American, 0.014%; no homozygotes.

Submissions (2):

Labcorp Genetics (formerly Invitae), Labcorp
Classification: Likely benign. Last evaluated: 2024-09-23. Review status: criteria provided, single submitter. Criteria: Invitae Variant Classification Sherloc (09022015). Collection method: clinical testing. Allele origin: germline.

PreventionGenetics, part of Exact Sciences
Classification: Likely benign for P3H2-related condition. Last evaluated: 2022-03-08. Review status: no assertion criteria provided. Collection method: clinical testing. Allele origin: germline. Not counted in ClinVar's aggregate classification.
Comment: This variant is classified as likely benign based on ACMG/AMP sequence variant interpretation guidelines (Richards et al. 2015 PMID: 25741868, with internal and published modifications).

NM_018192.4(P3H2):c.285G>A (p.Pro95=)

Genes: P3H2 (prolyl 3-hydroxylase 2; minus strand), LOC129938149 (ATAC-STARR-seq lymphoblastoid silent region 14999; plus strand). Cytogenetic location: 3q28.
Variant type: single nucleotide variant.
Coding change: c.285G>A on transcript NM_018192.4 (MANE Select); coding-DNA position 285, G replaced by A.
Protein change: p.Pro95=; no amino-acid change (proline 95 retained).
Molecular consequence: synonymous variant. On other transcripts: intron variant (1).
Genome position (GRCh38, 1-based): chr3:190,120,447, C>T on the plus strand (G>A on the coding strand, the complement: P3H2 is on the minus strand). VCF-style: chr3-190120447-C-T. GRCh37 (hg19) VCF-style: chr3-189838236-C-T.
Other names: c.-64+1756G>A (NM_001134418.2); c.285G>A (NM_018192.3).
Identifiers: ClinVar variation 2067197 (VCV002067197.6), dbSNP rs748519329, ClinGen allele CA2753401.
Genomic context (GRCh38, chr3:190,120,447, plus strand): 5'-CCCCAACAAGGAGCGGAAAAGGGGCAGCTCAGCGCCGGGGCCCTCGCCGGGGGGCGGGGG[C>T]GGGAGCGGGTGGCGCGCCGCGCAGTGGCGGGCACAGCGCGTGCGGATTTCCCGCAGGCGC-3'
Protein context (NP_060662.2, residues 85-105): ARHCAARHPL[Pro95=]PPPPGEGPGA